The following is an entry in ClinVar:

ClinVar aggregate classification (germline): Uncertain significance (1 of 4 stars; one submission).

gnomAD v4.1: 1 of 1,613,886 alleles (0.000062%); highest among the groups gnomAD compares: East Asian, 0.0022%; no homozygotes.

Submission:

GeneDx
Classification: Uncertain significance. Last evaluated: 2025-01-14. Review status: criteria provided, single submitter. Criteria: GeneDx Variant Classification Process June 2021. Collection method: clinical testing. Allele origin: germline. Affected: yes.
Comment: Not observed at significant frequency in large population cohorts (gnomAD); In silico analysis supports that this missense variant has a deleterious effect on protein structure/function; Has not been previously published as pathogenic or benign to our knowledge

NM_001321075.3(DLG4):c.314C>T (p.Ala105Val)

Gene: DLG4 (discs large MAGUK scaffold protein 4; minus strand). Cytogenetic location: 17p13.1.
Variant type: single nucleotide variant.
Coding change: c.314C>T on transcript NM_001321075.3 (MANE Select); coding-DNA position 314, C replaced by T.
Protein change: p.Ala105Val; replaces alanine 105 with valine.
Molecular consequence: missense variant. On other transcripts: non-coding transcript variant (1).
Genome position (GRCh38, 1-based): chr17:7,203,713, G>A on the plus strand (C>T on the coding strand, the complement: DLG4 is on the minus strand). VCF-style: chr17-7203713-G-A. GRCh37 (hg19) VCF-style: chr17-7107032-G-A.
Other names: c.305C>T, p.Ala102Val (NM_001128827.4); c.434C>T, p.Ala145Val (NM_001321074.1); c.134C>T, p.Ala45Val (NM_001321076.3, NM_001321077.3); c.443C>T, p.Ala148Val (NM_001365.5); c.233C>T, p.Ala78Val (NM_001369566.3); short protein forms A102V, A105V, A145V, A148V, A45V, A78V.
Identifiers: ClinVar variation 4070794 (VCV004070794.1).